The following is an entry in ClinVar:

NM_152424.4(AMER1):c.2397C>A (p.Asn799Lys)

Gene: AMER1 (APC membrane recruitment protein 1; minus strand). Cytogenetic location: Xq11.2.
Variant type: single nucleotide variant.
Coding change: c.2397C>A on transcript NM_152424.4 (MANE Select); coding-DNA position 2397, C replaced by A.
Protein change: p.Asn799Lys; replaces asparagine 799 with lysine.
Molecular consequence: missense variant.
Genome position (GRCh38, 1-based): chrX:64,190,890, G>T on the plus strand (C>A on the coding strand, the complement: AMER1 is on the minus strand). VCF-style: chrX-64190890-G-T. GRCh37 (hg19) VCF-style: chrX-63410770-G-T.
Other names: short protein forms N799K.
Identifiers: ClinVar variation 4076542 (VCV004076542.1).
Genomic context (GRCh38, chrX:64,190,890, plus strand): 5'-TTCCCCATCCCGTTCCACATCAGCGATGTCAAAGGTCACCATGGGAGGCAGCTCAGGGAG[G>T]TTTTGAGTGAAAGATGAGTCAGAGTCAGAGCTGCAGGACATGCTGGAAAAGAGGTTCCCA-3'
Protein context (NP_689637.3, residues 789-809): SSDSDSSFTQ[Asn799Lys]LPELPPMVTF

ClinVar aggregate classification (germline): Uncertain significance (1 of 4 stars; one submission).

Submission:

GeneDx
Classification: Uncertain significance. Last evaluated: 2025-02-24. Review status: criteria provided, single submitter. Criteria: GeneDx Variant Classification Process June 2021. Collection method: clinical testing. Allele origin: germline. Affected: yes.
Comment: Not observed at significant frequency in large population cohorts (gnomAD); In silico analysis indicates that this missense variant does not alter protein structure/function; Has not been previously published as pathogenic or benign to our knowledge